The following is an entry in ClinVar:

ClinVar aggregate classification (germline): Conflicting classifications of pathogenicity. Review status: criteria provided, conflicting classifications (1 of 4 stars). 8 submissions from 8 submitters: Uncertain significance (2); Benign (2); Likely benign (3). 1 of the submissions does not count toward it. Last evaluated 2026-01-28.

Conditions:
Congenital ichthyosis of skin. Identifiers: MedGen C0020758.
Autosomal recessive congenital ichthyosis 4B (ARCI4B). Also called: HARLEQUIN ICHTHYOSIS; Harlequin Fetus; Ichthyosis, congenital, autosomal recessive 4B (harlequin); ICHTHYOSIS CONGENITA, HARLEQUIN FETUS TYPE. Identifiers: Orphanet 457, MedGen C0598226, MONDO:0009443, OMIM 242500.
ABCA12-related disorder. Also called: ABCA12-related condition.
Inborn genetic diseases. Identifiers: MedGen C0950123, MeSH D030342.

Allele frequency attached by ClinVar (database versions not stated): 1000 Genomes Project 0.00120; ExAC 0.00140; 1000 Genomes Project 30x 0.00141; gnomAD 0.00143; gnomAD exomes 0.00145 and 0.00239; TOPMed 0.00173; ESP Exome Variant Server 0.00200.
gnomAD v4.1: 3,706 of 1,613,732 alleles (0.23%); highest among the groups gnomAD compares: Middle Eastern, 0.54%; 15 homozygotes.

Submissions (8):

Labcorp Genetics (formerly Invitae), Labcorp
Classification: Benign. Last evaluated: 2026-01-28. Review status: criteria provided, single submitter. Criteria: Invitae Variant Classification Sherloc (09022015). Collection method: clinical testing. Allele origin: germline.

CeGaT Center for Human Genetics Tuebingen
Classification: Likely benign. Last evaluated: 2026-01-01. Review status: criteria provided, single submitter. Criteria: CeGaT Center For Human Genetics Tuebingen Variant Classification Criteria Version 2. Collection method: clinical testing. Allele origin: germline. Affected: yes. Observed: 1 variant allele.
Comment: ABCA12: BS2

Ambry Genetics
Classification: Benign for Inborn genetic diseases. Last evaluated: 2025-03-13. Review status: criteria provided, single submitter. Criteria: Ambry Variant Classification Scheme 2023. Collection method: clinical testing. Allele origin: germline.

Blueprint Genetics
Classification: Likely benign. Last evaluated: 2024-11-20. Review status: criteria provided, single submitter. Criteria: ACMG Guidelines, 2015. Collection method: clinical testing. Allele origin: germline.

Department of Pathology and Laboratory Medicine, Sinai Health System
Classification: Uncertain significance for autosomal recessive congenital ichthyosis 4B. Last evaluated: 2023-01-12. Review status: criteria provided, single submitter. Criteria: ACMG Guidelines, 2015. Collection method: research. Allele origin: germline.

GeneDx
Classification: Likely benign. Last evaluated: 2019-04-02. Review status: criteria provided, single submitter. Criteria: GeneDx Variant Classification Process June 2021. Collection method: clinical testing. Allele origin: germline. Affected: yes.
Comment: See Variant Classification Assertion Criteria.

Illumina Laboratory Services, Illumina
Classification: Uncertain significance for Congenital ichthyosis of skin. Last evaluated: 2018-01-13. Review status: criteria provided, single submitter. Criteria: ICSL Variant Classification Criteria 13 December 2019. Collection method: clinical testing. Allele origin: germline.

PreventionGenetics, part of Exact Sciences
Classification: Likely benign for ABCA12-related condition. Last evaluated: 2023-06-28. Review status: no assertion criteria provided. Collection method: clinical testing. Allele origin: germline. Not counted in ClinVar's aggregate classification.
Comment: This variant is classified as likely benign based on ACMG/AMP sequence variant interpretation guidelines (Richards et al. 2015 PMID: 25741868, with internal and published modifications).

NM_173076.3(ABCA12):c.7631C>T (p.Thr2544Ile)

Genes: ABCA12 (ATP binding cassette subfamily A member 12; minus strand), SNHG31 (small nucleolar RNA host gene 31; plus strand). Cytogenetic location: 2q35.
Variant type: single nucleotide variant.
Coding change: c.7631C>T on transcript NM_173076.3 (MANE Select); coding-DNA position 7631, C replaced by T.
Protein change: p.Thr2544Ile; replaces threonine 2544 with isoleucine.
Molecular consequence: missense variant. On other transcripts: non-coding transcript variant (1).
Genome position (GRCh38, 1-based): chr2:214,934,127, G>A on the plus strand (C>T on the coding strand, the complement: ABCA12 is on the minus strand). VCF-style: chr2-214934127-G-A. GRCh37 (hg19) VCF-style: chr2-215798851-G-A.
Other names: c.6677C>T, p.Thr2226Ile (NM_015657.4); short protein forms T2544I, T2226I.
Identifiers: ClinVar variation 715870 (VCV000715870.22), dbSNP rs146834697, ClinGen allele CA2090597.